The following is an entry in ClinVar:

NM_020975.6(RET):c.1962C>A (p.Ala654=)

Gene: RET (ret proto-oncogene; plus strand). Cytogenetic location: 10q11.21.
Variant type: single nucleotide variant.
Coding change: c.1962C>A on transcript NM_020975.6 (MANE Select); coding-DNA position 1962, C replaced by A.
Protein change: p.Ala654=; no amino-acid change (alanine 654 retained).
Molecular consequence: synonymous variant. On other transcripts: intron variant (4).
Genome position (GRCh38, 1-based): chr10:43,114,562, C>A. VCF-style: chr10-43114562-C-A. GRCh37 (hg19) VCF-style: chr10-43610010-C-A.
Other names: c.1962C>A, p.Ala654= (NM_000323.2, NM_001406743.1, NM_001406744.1 and 4 more transcripts); c.1200C>A, p.Ala400= (NM_001355216.2); c.1833C>A, p.Ala611= (NM_001406761.1, NM_001406762.1, NM_001406764.1); c.1674C>A, p.Ala558= (NM_001406766.1, NM_001406767.1, NM_001406770.1); c.1566C>A, p.Ala522= (NM_001406769.1, NM_001406772.1); c.1524C>A, p.Ala508= (NM_001406771.1, NM_001406773.1); c.1437C>A, p.Ala479= (NM_001406774.1); c.1236C>A, p.Ala412= (NM_001406775.1, NM_001406776.1, NM_001406777.1 and 1 more transcripts); and 10 more.
Identifiers: ClinVar variation 1119013 (VCV001119013.14), dbSNP rs1350081720, ClinGen allele CA469479752.

ClinVar aggregate classification (germline): Benign/Likely benign. Review status: criteria provided, multiple submitters, no conflicts (2 of 4 stars). 4 submissions from 4 submitters: Benign (1); Likely benign (3). Last evaluated 2025-11-10.

Conditions:
Hereditary cancer-predisposing syndrome. Also called: Neoplastic Syndromes, Hereditary; Hereditary Cancer Syndrome; Hereditary neoplastic syndrome; Tumor predisposition. Identifiers: Orphanet 140162, MedGen C0027672, MeSH D009386, MONDO:0015356.
Multiple endocrine neoplasia type 2A. Also called: Multiple Endocrine Neoplasia Type 2A (MEN2A); MULTIPLE ENDOCRINE NEOPLASIA, TYPE IIA; PTC SYNDROME; SIPPLE SYNDROME; MEN 2A; MEN-2A syndrome. Identifiers: Orphanet 247698, Orphanet 653, MedGen C0025268, MeSH D018813, MONDO:0008234, OMIM 171400.
Multiple endocrine neoplasia, type 2 (MEN2). Identifiers: Orphanet 653, MedGen C4048306, MONDO:0019003. Disease mechanism: gain of function.

Allele frequency attached by ClinVar (database versions not stated): gnomAD exomes below 0.00001.
gnomAD v4.1: 1 of 1,611,990 alleles (0.000062%); highest among the groups gnomAD compares: Non-Finnish European, 0.000085%; no homozygotes.

Submissions (4):

Labcorp Genetics (formerly Invitae), Labcorp
Classification: Likely benign for Multiple endocrine neoplasia, type 2. Last evaluated: 2025-11-10. Review status: criteria provided, single submitter. Criteria: Invitae Variant Classification Sherloc (09022015). Collection method: clinical testing. Allele origin: germline.

Myriad Genetics, Inc.
Classification: Benign for Multiple endocrine neoplasia type 2A. Last evaluated: 2025-02-26. Review status: criteria provided, single submitter. Criteria: Myriad Autosomal Dominant, Autosomal Recessive and X-Linked Classification Criteria (2023). Collection method: clinical testing. Allele origin: unknown.
Comment: This variant is considered benign. This variant is a silent/synonymous amino acid change and it is not expected to impact splicing.

All of Us Research Program, National Institutes of Health
Classification: Likely benign for Multiple endocrine neoplasia, type 2. Last evaluated: 2024-08-13. Review status: criteria provided, single submitter. Criteria: ACMG Guidelines, 2015. Collection method: clinical testing. Allele origin: germline. Inheritance: Autosomal dominant inheritance. Observed: 1 variant allele, 1 heterozygote.
Comment: This study involves interpretation of variants in research participants for the purpose of population health screening. Participant phenotype was not available at the time of variant classification. Additional details can be found in publication PMID: 35346344, PMCID: PMC8962531

Ambry Genetics
Classification: Likely benign for Hereditary cancer-predisposing syndrome. Last evaluated: 2019-08-12. Review status: criteria provided, single submitter. Criteria: Ambry Variant Classification Scheme 2023. Collection method: clinical testing. Allele origin: germline.